The following is an entry in ClinVar:

ClinVar aggregate classification (germline): Likely benign. Review status: criteria provided, single submitter (1 of 4 stars). 2 submissions from 2 submitters: Likely benign (1). 1 of the submissions does not count toward it. Last evaluated 2025-04-27.

Conditions:
STARD9-related disorder. Also called: STARD9-related condition.

Allele frequency attached by ClinVar (database versions not stated): TOPMed 0.00002.
gnomAD v4.1: 16 of 1,537,132 alleles (0.001%); highest among the groups gnomAD compares: Middle Eastern, 0.083%; no homozygotes.

Submissions (2):

Ambry Genetics
Classification: Likely benign. Last evaluated: 2025-04-27. Review status: criteria provided, single submitter. Criteria: Ambry Variant Classification Scheme 2023. Collection method: clinical testing. Allele origin: germline.

PreventionGenetics, part of Exact Sciences
Classification: Likely benign for STARD9-related condition. Last evaluated: 2019-05-23. Review status: no assertion criteria provided. Collection method: clinical testing. Allele origin: germline. Not counted in ClinVar's aggregate classification.
Comment: This variant is classified as likely benign based on ACMG/AMP sequence variant interpretation guidelines (Richards et al. 2015 PMID: 25741868, with internal and published modifications).

NM_020759.3(STARD9):c.11289G>A (p.Gly3763=)

Gene: STARD9 (StAR related lipid transfer domain containing 9; plus strand). Cytogenetic location: 15q15.2.
Variant type: single nucleotide variant.
Coding change: c.11289G>A on transcript NM_020759.3 (MANE Select); coding-DNA position 11289, G replaced by A.
Protein change: p.Gly3763=; no amino-acid change (glycine 3763 retained).
Molecular consequence: synonymous variant.
Genome position (GRCh38, 1-based): chr15:42,692,867, G>A. VCF-style: chr15-42692867-G-A. GRCh37 (hg19) VCF-style: chr15-42985065-G-A.
Identifiers: ClinVar variation 3039249 (VCV003039249.3), dbSNP rs556892873, ClinGen allele CA269903402.
Genomic context (GRCh38, chr15:42,692,867, plus strand): 5'-CACCCTGTGCCTCCAGACTTCAGAGGCTGAACCTCAGGGAGCCAATGTGATCCTTGAAGG[G>A]CTAGGCTCAGATACCTCGACTGTGTCTCAAGAAGAGGGAGATGTGCCAGGGGTACCTCAG-3'
Protein context (NP_065810.2, residues 3753-3773): EPQGANVILE[Gly3763=]LGSDTSTVSQ